The following is an entry in ClinVar:

ClinVar aggregate classification (germline): Uncertain significance (1 of 4 stars; one submission).

Submission:

GeneDx
Classification: Uncertain significance. Last evaluated: 2026-01-28. Review status: criteria provided, single submitter. Criteria: GeneDx Variant Classification Process June 2021. Collection method: clinical testing. Allele origin: germline.
Comment: Not observed at significant frequency in large population cohorts (gnomAD); In silico analysis supports that this missense variant has a deleterious effect on protein structure/function; Has not been previously published as pathogenic or benign to our knowledge

NM_001170629.2(CHD8):c.3965G>C (p.Gly1322Ala)

Gene: CHD8 (chromodomain helicase DNA binding protein 8; minus strand). Cytogenetic location: 14q11.2.
Variant type: single nucleotide variant.
Coding change: c.3965G>C on transcript NM_001170629.2 (MANE Select); coding-DNA position 3965, G replaced by C.
Protein change: p.Gly1322Ala; replaces glycine 1322 with alanine.
Molecular consequence: missense variant.
Genome position (GRCh38, 1-based): chr14:21,402,054, C>G on the plus strand (G>C on the coding strand, the complement: CHD8 is on the minus strand). VCF-style: chr14-21402054-C-G. GRCh37 (hg19) VCF-style: chr14-21870213-C-G.
Other names: c.3128G>C, p.Gly1043Ala (NM_020920.4); short protein forms G1043A, G1322A.
Identifiers: ClinVar variation 1800770 (VCV001800770.2), dbSNP rs2501896533, ClinGen allele CA388897140.